The following is an entry in ClinVar:

ClinVar aggregate classification (germline): Pathogenic (1 of 4 stars; one submission).

Conditions:
Epidermolysis bullosa simplex with nail dystrophy (EBS5D). Identifiers: MedGen C4225309, MONDO:0014661, OMIM 616487.
Epidermolysis bullosa simplex, Ogna type (EBS5A). Also called: Pidermolysis bullosa simplex 5A, Ogna type; EPIDERMOLYSIS BULLOSA SIMPLEX 5A, OGNA TYPE. Identifiers: Orphanet 79401, MedGen C0432317, MONDO:0007555, OMIM 131950.
Autosomal recessive limb-girdle muscular dystrophy type 2Q (LGMDR17). Also called: MUSCULAR DYSTROPHY, LIMB-GIRDLE, AUTOSOMAL RECESSIVE 17. Identifiers: Orphanet 254361, MedGen C3150989, MONDO:0013390, OMIM 613723.
Epidermolysis bullosa simplex 5B, with muscular dystrophy (EBS5B). Also called: EPIDERMOLYSIS BULLOSA SIMPLEX AND LIMB-GIRDLE MUSCULAR DYSTROPHY; Epidermolysis bullosa simplex with muscular dystrophy. Identifiers: Orphanet 257, MedGen C2931072, MONDO:0009181, OMIM 226670.
Epidermolysis bullosa simplex 5C, with pyloric atresia (EBS5C). Also called: PLEC-Related Epidermolysis Bullosa with Pyloric Atresia; Epidermolysis bullosa simplex with pyloric atresia; PLEC1-Related Epidermolysis Bullosa with Pyloric Atresia. Identifiers: Orphanet 158684, MedGen C2677349, MONDO:0012807, OMIM 612138.

gnomAD v4.1: 1 of 1,605,440 alleles (0.000062%); highest among the groups gnomAD compares: Non-Finnish European, 0.000085%; no homozygotes.

Submission:

Labcorp Genetics (formerly Invitae), Labcorp
Classification: Pathogenic for Autosomal recessive limb-girdle muscular dystrophy type 2Q; Epidermolysis bullosa simplex, Ogna type; Epidermolysis bullosa simplex with nail dystrophy; Epidermolysis bullosa simplex 5C, with pyloric atresia; Epidermolysis bullosa simplex 5B, with muscular dystrophy. Last evaluated: 2024-03-31. Review status: criteria provided, single submitter. Criteria: Invitae Variant Classification Sherloc (09022015). Collection method: clinical testing. Allele origin: germline.
Comment: This sequence change creates a premature translational stop signal (p.Gln1001*) in the PLEC gene. It is expected to result in an absent or disrupted protein product. Loss-of-function variants in PLEC are known to be pathogenic (PMID: 20301336, 20447487, 21109228, 23289980, 28824526). This variant is not present in population databases (gnomAD no frequency). This variant has not been reported in the literature in individuals affected with PLEC-related conditions. For these reasons, this variant has been classified as Pathogenic.

Literature cited by the submitters: PubMed 20301336; PubMed 20447487; PubMed 21109228; PubMed 23289980; PubMed 28824526.

NM_201384.3(PLEC):c.2920C>T (p.Gln974Ter)

Gene: PLEC (plectin; minus strand). Cytogenetic location: 8q24.3.
Variant type: single nucleotide variant.
Coding change: c.2920C>T on transcript NM_201384.3 (MANE Select); coding-DNA position 2920, C replaced by T.
Protein change: p.Gln974Ter; replaces glutamine 974 with a stop codon.
Molecular consequence: nonsense.
Genome position (GRCh38, 1-based): chr8:143,929,649, G>A on the plus strand (C>T on the coding strand, the complement: PLEC is on the minus strand). VCF-style: chr8-143929649-G-A. GRCh37 (hg19) VCF-style: chr8-145003817-G-A.
Other names: c.3001C>T, p.Gln1001Ter (NM_000445.5, NM_001410941.1); c.2878C>T, p.Gln960Ter (NM_201378.4); c.2854C>T, p.Gln952Ter (NM_201379.3); c.3331C>T, p.Gln1111Ter (NM_201380.4); c.2824C>T, p.Gln942Ter (NM_201381.3); c.2920C>T, p.Gln974Ter (NM_201382.4); c.2932C>T, p.Gln978Ter (NM_201383.3); short protein forms Q1001*, Q1111*, Q942*, Q952*, Q960*, Q974*, Q978*.
Identifiers: ClinVar variation 3755510 (VCV003755510.2).